The following is an entry in ClinVar:

NM_024685.4(BBS10):c.539G>A (p.Gly180Glu)

Gene: BBS10 (Bardet-Biedl syndrome 10; minus strand). Cytogenetic location: 12q21.2.
Variant type: single nucleotide variant.
Coding change: c.539G>A on transcript NM_024685.4 (MANE Select); coding-DNA position 539, G replaced by A.
Protein change: p.Gly180Glu; replaces glycine 180 with glutamic acid.
Molecular consequence: missense variant.
Genome position (GRCh38, 1-based): chr12:76,347,446, C>T on the plus strand (G>A on the coding strand, the complement: BBS10 is on the minus strand). VCF-style: chr12-76347446-C-T. GRCh37 (hg19) VCF-style: chr12-76741226-C-T.
Other names: c.539G>A, p.Gly180Glu (LRG_1255t1); short protein forms G180E.
Identifiers: ClinVar variation 488381 (VCV000488381.19), dbSNP rs1555202697, ClinGen allele CA385814966.
Genomic context (GRCh38, chr12:76,347,446, plus strand): 5'-TTGAAAAAGTAGTCACACATCAACTGTGAAATAAATTTATGATTATTTCTTCCCACTCTT[C>T]CACAAAAGTATGCTTCTAAGAGCAACTCTAAAGAGCTCCTACACAATGTTCTCTCTTTAG-3'
Protein context (NP_078961.3, residues 170-190): LELLLEAYFC[Gly180Glu]RVGRNNHKFI

ClinVar aggregate classification (germline): Conflicting classifications of pathogenicity. Review status: criteria provided, conflicting classifications (1 of 4 stars). 6 submissions from 6 submitters: Pathogenic (1); Likely pathogenic (3); Uncertain significance (1). 1 of the submissions does not count toward it. Last evaluated 2025-11-05.

Conditions:
Bardet-Biedl syndrome (BBS). Identifiers: Orphanet 110, MedGen C0752166, MONDO:0015229.
Bardet-Biedl syndrome 10 (BBS10). Identifiers: Orphanet 110, MedGen C1859568, MONDO:0014438, OMIM 615987.

Allele frequency attached by ClinVar (database versions not stated): gnomAD exomes below 0.00001; gnomAD 0.00001.

Submissions (6):

Natera, Inc.
Classification: Likely pathogenic for Bardet-Biedl syndrome type 10. Last evaluated: 2025-11-05. Review status: criteria provided, single submitter. Criteria: Natera Variant Classification Schema (03/2026). Collection method: clinical testing. Allele origin: germline.
Comment: The c.539G>A variant in BBS10 is a missense variant predicted to cause substitution of glycine to glutamic acid at amino acid 180. This variant is rare in the general population with a frequency below the threshold expected for the associated phenotype(s). This variant has been observed in one or more individuals affected with the associated recessive disease, as either homozygous or compound heterozygous with a second variant (PMID: 21052717, 32448990, 36325687). Computational prediction algorithms indicate this variant is likely to affect gene or protein function. Given the available evidence, this variant is classified as Likely Pathogenic.

Labcorp Genetics (formerly Invitae), Labcorp
Classification: Pathogenic for Bardet-Biedl syndrome. Last evaluated: 2025-04-08. Review status: criteria provided, single submitter. Criteria: Invitae Variant Classification Sherloc (09022015). Collection method: clinical testing. Allele origin: germline.
Comment: This sequence change replaces glycine, which is neutral and non-polar, with glutamic acid, which is acidic and polar, at codon 180 of the BBS10 protein (p.Gly180Glu). This variant is not present in population databases (gnomAD no frequency). This missense change has been observed in individual(s) with Bardet-Biedl syndrome (PMID: 21052717, 32448990, 37031301; internal data). ClinVar contains an entry for this variant (Variation ID: 488381). Invitae Evidence Modeling of protein sequence and biophysical properties (such as structural, functional, and spatial information, amino acid conservation, physicochemical variation, residue mobility, and thermodynamic stability) indicates that this missense variant is expected to disrupt BBS10 protein function with a positive predictive value of 80%. For these reasons, this variant has been classified as Pathogenic.

3billion
Classification: Likely pathogenic for Bardet-Biedl syndrome 10. Last evaluated: 2024-12-02. Review status: criteria provided, single submitter. Criteria: ACMG Guidelines, 2015. Collection method: clinical testing. Allele origin: germline. Affected: yes.
Comment: The variant is observed at an extremely low frequency in the gnomAD v4.1.0 dataset (total allele frequency: <0.001%). Predicted Consequence/Location: Missense variant. The majority of the known disease-causing variants of this gene are variants expected to result in premature termination of the protein. In silico tool predictions suggest damaging effect of the variant on gene or gene product [REVEL: 0.75 (>=0.6, sensitivity 0.68 and specificity 0.92); 3Cnet: 0.88 (>=0.6, sensitivity 0.72 and precision 0.9)]. The same nucleotide change resulting in the same amino acid change has been previously reported as pathogenic/likely pathogenic with strong evidence (ClinVar ID: VCV000488381 /PMID: 21052717). Therefore, this variant is classified as Likely pathogenic according to the recommendation of ACMG/AMP guideline.

Blueprint Genetics
Classification: Uncertain significance. Last evaluated: 2022-08-31. Review status: criteria provided, single submitter. Criteria: ACMG Guidelines, 2015. Collection method: clinical testing. Allele origin: germline.

Victorian Clinical Genetics Services, Murdoch Childrens Research Institute
Classification: Likely pathogenic for Bardet-Biedl syndrome 10. Last evaluated: 2017-02-23. Review status: criteria provided, single submitter. Criteria: ACMG Guidelines, 2015. Collection method: clinical testing. Allele origin: inherited. Inheritance: Autosomal recessive inheritance. Affected: yes. Observed: 3 variant alleles. Clinical features observed: Renal cyst (HP:0000107), Postaxial hand polydactyly (HP:0001162), Postaxial foot polydactyly (HP:0001830), Aganglionic megacolon (HP:0002251).
Comment: A homozygous missense variant was identified, NM_024685.3(BBS10):c.539G>A, in exon 2 of the BBS10 gene (Chr12:76741226). This substitution is predicted to create a change of a glycine to a glutamic acid at amino acid position 180, NP_078961.3(BBS10):p.(Gly180Glu). The glycine at this position has high conservation and is located in a TCP-1/cpn60 chaperonin family domain. Grantham assessment is likely pathogenic for this variant due to both amino acid properties and conservation. In silico software predicts this variant to be disease causing. This variant has not been previously observed in our patient cohort and has not been observed in population databases. It has been previously reported in a patient with Bardet-Biedl syndrome (Janssen S. et al, 2011). Based on current information this variant has been classified as LIKELY PATHOGENIC.

Counsyl
Classification: Uncertain significance for Bardet-Biedl syndrome 10. Last evaluated: 2017-11-09. Review status: no assertion criteria provided. Collection method: clinical testing. Allele origin: unknown. Not counted in ClinVar's aggregate classification.

Literature cited by the submitters: PubMed 21052717 (cited by 4 submitters); PubMed 32448990 (cited by Natera, Inc. and Labcorp Genetics (formerly Invitae), Labcorp); PubMed 36325687 (cited by Natera, Inc.); PubMed 37031301 (cited by Labcorp Genetics (formerly Invitae), Labcorp).